The following is an entry in ClinVar:

ClinVar aggregate classification (germline): Benign/Likely benign. Review status: criteria provided, multiple submitters, no conflicts (2 of 4 stars). 3 submissions from 3 submitters: Benign (1); Likely benign (2). Last evaluated 2025-10-06.

Conditions:
Mitochondrial DNA depletion syndrome 9 (MTDPS9). Also called: SUCLG1-Related Mitochondrial DNA Depletion Syndrome, Encephalomyopathic Form with Methylmalonic Aciduria. Identifiers: Orphanet 17, MedGen C3151476, MONDO:0009504, OMIM 245400.

Allele frequency attached by ClinVar (database versions not stated): TOPMed 0.00005; 1000 Genomes Project 30x 0.00031; 1000 Genomes Project 0.00040; gnomAD exomes 0.00057 and 0.00144; ExAC 0.00099; gnomAD 0.00107 and 0.00113.
gnomAD v4.1: 994 of 1,613,988 alleles (0.062%); highest among the groups gnomAD compares: Non-Finnish European, 0.0037%; 5 homozygotes.

Submissions (3):

Labcorp Genetics (formerly Invitae), Labcorp
Classification: Benign for Mitochondrial DNA depletion syndrome 9. Last evaluated: 2025-10-06. Review status: criteria provided, single submitter. Criteria: Invitae Variant Classification Sherloc (09022015). Collection method: clinical testing. Allele origin: germline.

CeGaT Center for Human Genetics Tuebingen
Classification: Likely benign. Last evaluated: 2024-05-01. Review status: criteria provided, single submitter. Criteria: CeGaT Center For Human Genetics Tuebingen Variant Classification Criteria Version 2. Collection method: clinical testing. Allele origin: germline. Affected: yes. Observed: 1 variant allele.
Comment: SUCLG1: BP4

Blueprint Genetics
Classification: Likely benign. Last evaluated: 2024-04-12. Review status: criteria provided, single submitter. Criteria: ACMG Guidelines, 2015. Collection method: clinical testing. Allele origin: germline.

NM_003849.4(SUCLG1):c.309T>C (p.Thr103=)

Gene: SUCLG1 (succinate-CoA ligase GDP/ADP-forming subunit alpha; minus strand). Cytogenetic location: 2p11.2.
Variant type: single nucleotide variant.
Coding change: c.309T>C on transcript NM_003849.4 (MANE Select); coding-DNA position 309, T replaced by C.
Protein change: p.Thr103=; no amino-acid change (threonine 103 retained).
Molecular consequence: synonymous variant.
Genome position (GRCh38, 1-based): chr2:84,443,293, A>G on the plus strand (T>C on the coding strand, the complement: SUCLG1 is on the minus strand). VCF-style: chr2-84443293-A-G. GRCh37 (hg19) VCF-style: chr2-84670417-A-G.
Identifiers: ClinVar variation 705637 (VCV000705637.29), dbSNP rs142284503, ClinGen allele CA1736355.